The following is an entry in ClinVar:

NM_000368.5(TSC1):c.1998-8C>G

Gene: TSC1 (TSC complex subunit 1; minus strand). Cytogenetic location: 9q34.13.
Variant type: single nucleotide variant.
Coding change: c.1998-8C>G on transcript NM_000368.5 (MANE Select); 8 bases into the intron before coding-DNA position 1998, C replaced by G.
Molecular consequence: intron variant.
Genome position (GRCh38, 1-based): chr9:132,904,462, G>C on the plus strand (C>G on the coding strand, the complement: TSC1 is on the minus strand). VCF-style: chr9-132904462-G-C. GRCh37 (hg19) VCF-style: chr9-135779849-G-C.
Other names: c.1632-8C>G (NM_001406620.1, NM_001406625.1, NM_001406621.1 and 2 more transcripts); c.1635-8C>G (NM_001406618.1, NM_001406617.1, NM_001406619.1 and 5 more transcripts); c.1842-8C>G (NM_001406613.1, NM_001406612.1, NM_001406611.1); c.1845-8C>G (NM_001406610.1, NM_001162427.2); c.1044-8C>G (NM_001406627.1, NM_001406628.1); c.945-8C>G (NM_001406629.1, NM_001406630.1); c.1995-8C>G (NM_001406603.1, NM_001406609.1, NM_001406597.1 and 6 more transcripts); c.1998-8C>G (NM_001406602.1, NM_001406606.1, NM_001406592.1 and 7 more transcripts); and 1 more.
Identifiers: ClinVar variation 3071590 (VCV003071590.1), dbSNP rs1845549145, ClinGen allele CA2825001613.

ClinVar aggregate classification (germline): Uncertain significance (1 of 4 stars; one submission).

Conditions:
Tuberous sclerosis syndrome (TSC). Also called: Tuberous Sclerosis Complex; Tuberous sclerosis. Identifiers: Orphanet 805, MedGen C0041341, MONDO:0001734.

Submission:

All of Us Research Program, National Institutes of Health
Classification: Uncertain significance for Tuberous sclerosis syndrome. Last evaluated: 2023-06-08. Review status: criteria provided, single submitter. Criteria: ACMG Guidelines, 2015. Collection method: clinical testing. Allele origin: germline. Inheritance: Autosomal dominant inheritance. Observed: 1 variant allele, 1 heterozygote.
Comment: This variant causes a C to G nucleotide substitution at the -8 position of intron 15 of the TSC1 gene. Splice site prediction tools suggest that this variant may not impact RNA splicing. To our knowledge, functional studies have not been reported for this variant. This variant has not been reported in individuals affected with TSC1-related disorders in the literature. This variant has not been identified in the general population by the Genome Aggregation Database (gnomAD). The available evidence is insufficient to determine the role of this variant in disease conclusively. Therefore, this variant is classified as a Variant of Uncertain Significance.

This study involves interpretation of variants in research participants for the purpose of population health screening. Participant phenotype was not available at the time of variant classification. Additional details can be found in publication PMID: 35346344, PMCID: PMC8962531